The following is an entry in ClinVar:

NC_000007.13:g.(101559506_101671377)_(101671426_101713618)dup

Gene: CUX1 (cut like homeobox 1; plus strand). Cytogenetic location: 7q22.1.
Variant type: Duplication.
Identifiers: ClinVar variation 2506255 (VCV002506255.1).

ClinVar aggregate classification (germline): Uncertain significance (1 of 4 stars; one submission).

Submission:

Women's Health and Genetics/Laboratory Corporation of America, LabCorp
Classification: Uncertain significance. Last evaluated: 2023-05-10. Review status: criteria provided, single submitter. Criteria: LabCorp Variant Classification Summary - May 2015. Collection method: clinical testing. Allele origin: germline.
Comment: Variant summary: The variant identified by MLPA or other technology involves the duplication of exon 3 in the CUX1 gene. A presumed nomenclature of c.(174+1_175-1)_(222+1_223-1)dup has been designated for the purposes of this classification. It has been assumed that this is a tandem duplication in direct orientation (Richardson_GIM_2018, Newman_AJHG_2015). Although exact breakpoints of this duplication are not known, it is expected to result in a large in-frame duplication in the CUX1 gene. The variant was absent in 21964 control chromosomes (gnomAD, Structural Variants dataset). The available data on variant occurrences in the general population are insufficient to allow any conclusion about variant significance. To our knowledge, no occurrence of c.(174+1_175-1)_(222+1_223-1)dup in individuals affected with Global Developmental Delay With Or Without Impaired Intellectual Development and no experimental evidence demonstrating its impact on protein function have been reported. No clinical diagnostic laboratories have submitted clinical-significance assessments for this variant to ClinVar after 2014. Based on the evidence outlined above, the variant was classified as uncertain significance.